The following is an entry in ClinVar:

NM_000268.4(NF2):c.1637T>A (p.Ile546Asn)

Gene: NF2 (NF2, moesin-ezrin-radixin like (MERLIN) tumor suppressor; plus strand). Cytogenetic location: 22q12.2.
Variant type: single nucleotide variant.
Coding change: c.1637T>A on transcript NM_000268.4 (MANE Select); coding-DNA position 1637, T replaced by A.
Protein change: p.Ile546Asn; replaces isoleucine 546 with asparagine.
Molecular consequence: missense variant. On other transcripts: intron variant (3).
Genome position (GRCh38, 1-based): chr22:29,681,501, T>A. VCF-style: chr22-29681501-T-A. GRCh37 (hg19) VCF-style: chr22-30077490-T-A.
Other names: c.1523T>A, p.Ile508Asn (NM_001407053.1, NM_001407056.1); c.1514T>A, p.Ile505Asn (NM_001407054.1, NM_001407058.1, NM_181829.3); c.1511T>A, p.Ile504Asn (NM_001407055.1, NM_181828.3); c.1502T>A, p.Ile501Asn (NM_001407057.1, NM_001407059.1); c.1379T>A, p.Ile460Asn (NM_001407062.1); c.1388T>A, p.Ile463Asn (NM_001407063.1, NM_181830.3, NM_181831.3); c.1103T>A, p.Ile368Asn (NM_001407065.1); c.1637T>A, p.Ile546Asn (NM_001407066.1, NM_016418.5, NM_181825.3 and 1 more transcripts); and 4 more; short protein forms I368N, I469N, I546N, I460N, I501N, I463N, I505N, I508N.
Identifiers: ClinVar variation 3405009 (VCV003405009.1).

ClinVar aggregate classification (germline): Uncertain significance (1 of 4 stars; one submission).

Conditions:
Hereditary cancer-predisposing syndrome. Also called: Neoplastic Syndromes, Hereditary; Tumor predisposition; Hereditary Cancer Syndrome; Hereditary neoplastic syndrome. Identifiers: Orphanet 140162, MedGen C0027672, MeSH D009386, MONDO:0015356.

Submission:

Ambry Genetics
Classification: Uncertain significance for Hereditary cancer-predisposing syndrome. Last evaluated: 2024-10-14. Review status: criteria provided, single submitter. Criteria: Ambry Variant Classification Scheme 2023. Collection method: clinical testing. Allele origin: germline.
Comment: The p.I546N variant (also known as c.1637T>A), located in coding exon 15 of the NF2 gene, results from a T to A substitution at nucleotide position 1637. The isoleucine at codon 546 is replaced by asparagine, an amino acid with dissimilar properties. This amino acid position is conserved. In addition, this alteration is predicted to be deleterious by in silico analysis. Based on the available evidence, the clinical significance of this variant remains unclear.